The following is an entry in ClinVar:

NM_001165963.4(SCN1A):c.3362A>T (p.Glu1121Val)

Genes: SCN1A (sodium voltage-gated channel alpha subunit 1; minus strand), LOC102724058 (uncharacterized LOC102724058; plus strand). Cytogenetic location: 2q24.3.
Variant type: single nucleotide variant.
Coding change: c.3362A>T on transcript NM_001165963.4 (MANE Select); coding-DNA position 3362, A replaced by T.
Protein change: p.Glu1121Val; replaces glutamic acid 1121 with valine.
Molecular consequence: missense variant. On other transcripts: non-coding transcript variant (2).
Genome position (GRCh38, 1-based): chr2:166,036,115, T>A on the plus strand (A>T on the coding strand, the complement: SCN1A is on the minus strand). VCF-style: chr2-166036115-T-A. GRCh37 (hg19) VCF-style: chr2-166892625-T-A.
Other names: c.3278A>T, p.Glu1093Val (NM_001165964.3, NM_001353957.2, NM_001353958.2); c.3362A>T, p.Glu1121Val (NM_001202435.3, NM_001353948.2); c.3329A>T, p.Glu1110Val (NM_001353949.2, NM_001353950.2, NM_001353951.2 and 2 more transcripts); c.3326A>T, p.Glu1109Val (NM_001353954.2, NM_001353955.2); c.3275A>T, p.Glu1092Val (NM_001353960.2); c.920A>T, p.Glu307Val (NM_001353961.2); short protein forms E1092V, E1121V, E307V, E1109V, E1110V, E1093V.
Identifiers: ClinVar variation 2749320 (VCV002749320.3), dbSNP rs2468075224, ClinGen allele CA349059224.

ClinVar aggregate classification (germline): Uncertain significance (1 of 4 stars; one submission).

Conditions:
Early-infantile DEE. Also called: Ohtahara syndrome; Early infantile epileptic encephalopathy; Early infantile epileptic encephalopathy with suppression bursts. Identifiers: Orphanet 1934, MedGen C0393706, MONDO:0800491.

Submission:

Labcorp Genetics (formerly Invitae), Labcorp
Classification: Uncertain significance for Early-infantile DEE. Last evaluated: 2023-07-19. Review status: criteria provided, single submitter. Criteria: Invitae Variant Classification Sherloc (09022015). Collection method: clinical testing. Allele origin: germline.
Comment: This sequence change replaces glutamic acid, which is acidic and polar, with valine, which is neutral and non-polar, at codon 1121 of the SCN1A protein (p.Glu1121Val). This variant is not present in population databases (gnomAD no frequency). This missense change has been observed in individual(s) with SCN1A-related conditions (Invitae). Advanced modeling of protein sequence and biophysical properties (such as structural, functional, and spatial information, amino acid conservation, physicochemical variation, residue mobility, and thermodynamic stability) performed at Invitae indicates that this missense variant is expected to disrupt SCN1A protein function. In summary, the available evidence is currently insufficient to determine the role of this variant in disease. Therefore, it has been classified as a Variant of Uncertain Significance.